The following is an entry in ClinVar:

ClinVar aggregate classification (germline): Uncertain significance. Review status: criteria provided, multiple submitters, no conflicts (2 of 4 stars). 2 submissions from 2 submitters: Uncertain significance (2). Last evaluated 2026-04-14.

Conditions:
NRP1-related disorder. Also called: NRP1-related condition.

gnomAD v4.1: 75 of 1,614,020 alleles (0.0046%); highest among the groups gnomAD compares: South Asian, 0.019%; 1 homozygote.

Submissions (2):

PreventionGenetics, part of Exact Sciences
Classification: Uncertain significance for NRP1-related condition. Last evaluated: 2026-04-14. Review status: criteria provided, single submitter. Criteria: ACMG Guidelines, 2015. Collection method: clinical testing. Allele origin: germline.
Comment: The NRP1 c.2195A>G variant is predicted to result in the amino acid substitution p.His732Arg. To our knowledge, this variant has not been reported in the literature. This variant is reported in 0.016% of alleles in individuals of South Asian descent in gnomAD. At this time, the clinical significance of this variant is uncertain due to the absence of conclusive functional and genetic evidence.

Ambry Genetics
Classification: Uncertain significance. Last evaluated: 2024-09-24. Review status: criteria provided, single submitter. Criteria: Ambry Variant Classification Scheme 2023. Collection method: clinical testing. Allele origin: germline.

NM_003873.7(NRP1):c.2195A>G (p.His732Arg)

Gene: NRP1 (neuropilin 1; minus strand). Cytogenetic location: 10p11.22.
Variant type: single nucleotide variant.
Coding change: c.2195A>G on transcript NM_003873.7 (MANE Select); coding-DNA position 2195, A replaced by G.
Protein change: p.His732Arg; replaces histidine 732 with arginine.
Molecular consequence: missense variant. On other transcripts: non-coding transcript variant (1).
Genome position (GRCh38, 1-based): chr10:33,186,356, T>C on the plus strand (A>G on the coding strand, the complement: NRP1 is on the minus strand). VCF-style: chr10-33186356-T-C. GRCh37 (hg19) VCF-style: chr10-33475284-T-C.
Other names: c.2177A>G, p.His726Arg (NM_001244972.2); c.2174A>G, p.His725Arg (NM_001244973.2); c.2195A>G, p.His732Arg (NM_001330068.2); short protein forms H725R, H726R, H732R.
Identifiers: ClinVar variation 3407866 (VCV003407866.2).
Genomic context (GRCh38, chr10:33,186,356, plus strand): 5'-ACCAGCTGATCGTACTCCTCTGGCTTCTGGTAGCGCAGTTTGACCCTGAGTGTGCCGACG[T>C]GGGACCCAGACATGTGATACCAGAAGGTCATGCAGTGGGCAGAGTTCTGGGAATAAACCA-3'
Protein context (NP_003864.5, residues 722-742): MTFWYHMSGS[His732Arg]VGTLRVKLRY